The following is an entry in ClinVar:

ClinVar aggregate classification (germline): Conflicting classifications of pathogenicity. Review status: criteria provided, conflicting classifications (1 of 4 stars). 3 submissions from 3 submitters: Uncertain significance (1); Likely benign (2). Last evaluated 2026-01-25.

Conditions:
Curry-Hall syndrome (WAD). Also called: WEYERS ACRODENTAL DYSOSTOSIS. Identifiers: Orphanet 952, MedGen C0457013, MONDO:0008673, OMIM 193530.
Ellis-van Creveld syndrome (EVC). Also called: EVC-Related Ellis-van Creveld Syndrome; EVC2-Related Ellis-van Creveld Syndrome; MESOECTODERMAL DYSPLASIA; Chondroectodermal dysplasia. Identifiers: Orphanet 289, MedGen C0013903, MONDO:0009162, OMIM 225500.

Allele frequency attached by ClinVar (database versions not stated): ESP Exome Variant Server 0.00100; 1000 Genomes Project 0.00120; 1000 Genomes Project 30x 0.00125; ExAC 0.00022; gnomAD 0.00080 and 0.00082; TOPMed 0.00085; gnomAD exomes 0.00007 and 0.00021.

Submissions (3):

Labcorp Genetics (formerly Invitae), Labcorp
Classification: Likely benign for Curry-Hall syndrome; Ellis-van Creveld syndrome. Last evaluated: 2026-01-25. Review status: criteria provided, single submitter. Criteria: Invitae Variant Classification Sherloc (09022015). Collection method: clinical testing. Allele origin: germline.

ARUP Laboratories, Molecular Genetics and Genomics, ARUP Laboratories
Classification: Likely benign. Last evaluated: 2025-04-10. Review status: criteria provided, single submitter. Criteria: ARUP Molecular Germline Variant Investigation Process 2024. Collection method: clinical testing. Allele origin: germline.

GeneDx
Classification: Uncertain significance. Last evaluated: 2022-01-13. Review status: criteria provided, single submitter. Criteria: GeneDx Variant Classification Process June 2021. Collection method: clinical testing. Allele origin: germline. Affected: yes.
Comment: In silico analysis supports that this variant does not alter splicing; Has not been previously published as pathogenic or benign to our knowledge

NM_147127.5(EVC2):c.1005+3G>A

Genes: EVC2 (EvC ciliary complex subunit 2; minus strand), LOC126806962 (BRD4-independent group 4 enhancer GRCh37_chr4:5666069-5667268; plus strand). Cytogenetic location: 4p16.2.
Variant type: single nucleotide variant.
Coding change: c.1005+3G>A on transcript NM_147127.5 (MANE Select); 3 bases into the intron after coding-DNA position 1005, G replaced by A.
Molecular consequence: intron variant.
Genome position (GRCh38, 1-based): chr4:5,665,512, C>T on the plus strand (G>A on the coding strand, the complement: EVC2 is on the minus strand). VCF-style: chr4-5665512-C-T. GRCh37 (hg19) VCF-style: chr4-5667239-C-T.
Other names: c.765+3G>A (NM_001166136.2).
Identifiers: ClinVar variation 707563 (VCV000707563.14), dbSNP rs141371552, ClinGen allele CA2835202.
Genomic context (GRCh38, chr4:5,665,512, plus strand): 5'-ACTGGGGGATGAACTTCAACCTCACATTCACCACCTTCCAAACCACCCTCAGGGAAGACT[C>T]ACCCGATGTCTGGTGAGCATGTTTCCCTTCAGACACTGATAGCGAACCATGAGGAAGAGG-3'